The following is an entry in ClinVar:

ClinVar aggregate classification (germline): Uncertain significance (1 of 4 stars; one submission).

Conditions:
Familial adenomatous polyposis 1 (FAP1). Also called: FAMILIAL ADENOMATOUS POLYPOSIS 1, ATTENUATED; POLYPOSIS, ADENOMATOUS INTESTINAL. Identifiers: MedGen C2713442, MONDO:0021056, OMIM 175100. Disease mechanism: loss of function.

gnomAD v4.1: 1 of 1,614,100 alleles (0.000062%); highest among the groups gnomAD compares: Non-Finnish European, 0.000085%; no homozygotes.

Submission:

Labcorp Genetics (formerly Invitae), Labcorp
Classification: Uncertain significance for Familial adenomatous polyposis 1. Last evaluated: 2025-11-11. Review status: criteria provided, single submitter. Criteria: Invitae Variant Classification Sherloc (09022015). Collection method: clinical testing. Allele origin: germline.
Comment: This sequence change replaces arginine, which is basic and polar, with threonine, which is neutral and polar, at codon 1069 of the APC protein (p.Arg1069Thr). This variant is not present in population databases (gnomAD no frequency). This variant has not been reported in the literature in individuals affected with APC-related conditions. Invitae Evidence Modeling of protein sequence and biophysical properties (such as structural, functional, and spatial information, amino acid conservation, physicochemical variation, residue mobility, and thermodynamic stability) indicates that this missense variant is not expected to disrupt APC protein function with a negative predictive value of 95%. In summary, the available evidence is currently insufficient to determine the role of this variant in disease. Therefore, it has been classified as a Variant of Uncertain Significance.

NM_000038.6(APC):c.3206G>C (p.Arg1069Thr)

Gene: APC (APC regulator of Wnt signaling pathway; plus strand). Cytogenetic location: 5q22.2.
Variant type: single nucleotide variant.
Coding change: c.3206G>C on transcript NM_000038.6 (MANE Select); coding-DNA position 3206, G replaced by C.
Protein change: p.Arg1069Thr; replaces arginine 1069 with threonine.
Molecular consequence: missense variant. On other transcripts: non-coding transcript variant (2).
Genome position (GRCh38, 1-based): chr5:112,838,800, G>C. VCF-style: chr5-112838800-G-C. GRCh37 (hg19) VCF-style: chr5-112174497-G-C.
Other names: c.3260G>C, p.Arg1087Thr (NM_001407448.1, NM_001407449.1, NM_001354896.2 and 1 more transcripts); c.3206G>C, p.Arg1069Thr (NM_001407450.1, NM_001127510.3, NM_001354895.2); c.3185G>C, p.Arg1062Thr (NM_001407451.1); c.3176G>C, p.Arg1059Thr (NM_001407452.1); c.3029G>C, p.Arg1010Thr (NM_001407453.1, NM_001354901.2); c.2957G>C, p.Arg986Thr (NM_001407455.1, NM_001407456.1, NM_001407457.1 and 1 more transcripts); c.3152G>C, p.Arg1051Thr (NM_001127511.3); c.3236G>C, p.Arg1079Thr (NM_001354897.2); and 11 more; short protein forms R1010T, R1028T, R1041T, R1044T, R1051T, R1059T, R1062T, R1069T.
Identifiers: ClinVar variation 4801463 (VCV004801463.1).